The following is an entry in ClinVar:

NM_001819.3(CHGB):c.1510A>G (p.Lys504Glu)

Gene: CHGB (chromogranin B; plus strand). Cytogenetic location: 20p12.3.
Variant type: single nucleotide variant.
Coding change: c.1510A>G on transcript NM_001819.3 (MANE Select); coding-DNA position 1510, A replaced by G.
Protein change: p.Lys504Glu; replaces lysine 504 with glutamic acid.
Molecular consequence: missense variant.
Genome position (GRCh38, 1-based): chr20:5,923,654, A>G. VCF-style: chr20-5923654-A-G. GRCh37 (hg19) VCF-style: chr20-5904300-A-G.
Other names: short protein forms K504E.
Identifiers: ClinVar variation 3044960 (VCV003044960.3), dbSNP rs140131066, ClinGen allele CA9755736.

ClinVar aggregate classification (germline): Uncertain significance. Review status: criteria provided, single submitter (1 of 4 stars). 2 submissions from 2 submitters: Uncertain significance (1). 1 of the submissions does not count toward it. Last evaluated 2025-07-31.

Conditions:
CHGB-related disorder. Also called: CHGB-related condition.

Allele frequency attached by ClinVar (database versions not stated): gnomAD exomes 0.00025; ExAC 0.00073; gnomAD 0.00227; TOPMed 0.00255; ESP Exome Variant Server 0.00261; 1000 Genomes Project 0.00280; 1000 Genomes Project 30x 0.00281.
gnomAD v4.1: 730 of 1,614,124 alleles (0.045%); highest among the groups gnomAD compares: African/African-American, 0.8%; 5 homozygotes.

Submissions (2):

Ambry Genetics
Classification: Uncertain significance. Last evaluated: 2025-07-31. Review status: criteria provided, single submitter. Criteria: Ambry Variant Classification Scheme 2023. Collection method: clinical testing. Allele origin: germline.

PreventionGenetics, part of Exact Sciences
Classification: Benign for CHGB-related condition. Last evaluated: 2019-07-15. Review status: no assertion criteria provided. Collection method: clinical testing. Allele origin: germline. Not counted in ClinVar's aggregate classification.
Comment: This variant is classified as benign based on ACMG/AMP sequence variant interpretation guidelines (Richards et al. 2015 PMID: 25741868, with internal and published modifications).